The following is an entry in ClinVar:

ClinVar aggregate classification (germline): Uncertain significance. Review status: criteria provided, multiple submitters, no conflicts (2 of 4 stars). 2 submissions from 2 submitters: Uncertain significance (2). Last evaluated 2025-12-20.

Conditions:
Cardiovascular phenotype. Identifiers: MedGen CN230736.

Allele frequency attached by ClinVar (database versions not stated): gnomAD exomes below 0.00001; ExAC 0.00001; gnomAD 0.00001; TOPMed 0.00001.
gnomAD v4.1: 5 of 1,613,984 alleles (0.00031%); highest among the groups gnomAD compares: South Asian, 0.0033%; no homozygotes.

Submissions (3):

Labcorp Genetics (formerly Invitae), Labcorp
Classification: Uncertain significance. Last evaluated: 2025-12-20. Review status: criteria provided, single submitter. Criteria: Invitae Variant Classification Sherloc (09022015). Collection method: clinical testing. Allele origin: germline.
Comment: This sequence change replaces glycine, which is neutral and non-polar, with arginine, which is basic and polar, at codon 318 of the TBX20 protein (p.Gly318Arg). This variant is present in population databases (rs754622149, gnomAD 0.003%). This variant has not been reported in the literature in individuals affected with TBX20-related conditions. ClinVar contains an entry for this variant (Variation ID: 1767284). Invitae Evidence Modeling of protein sequence and biophysical properties (such as structural, functional, and spatial information, amino acid conservation, physicochemical variation, residue mobility, and thermodynamic stability) indicates that this missense variant is not expected to disrupt TBX20 protein function with a negative predictive value of 80%. In summary, the available evidence is currently insufficient to determine the role of this variant in disease. Therefore, it has been classified as a Variant of Uncertain Significance.

Ambry Genetics
Classification: Uncertain significance for Cardiovascular phenotype. Last evaluated: 2021-07-08. Review status: criteria provided, single submitter. Criteria: Ambry Variant Classification Scheme 2023. Collection method: clinical testing. Allele origin: germline.
Comment: The p.G318R variant (also known as c.952G>A), located in coding exon 7 of the TBX20 gene, results from a G to A substitution at nucleotide position 952. The glycine at codon 318 is replaced by arginine, an amino acid with dissimilar properties. This amino acid position is conserved. In addition, the in silico prediction for this alteration is inconclusive. Since supporting evidence is limited at this time, the clinical significance of this alteration remains unclear.

Dr. Peter K. Rogan Lab, Western University
No classification provided (evidence only). Condition: Malignant tumor of urinary bladder. Review status: no classification provided. Collection method: in vitro. Allele origin: not applicable. Functional consequence: retained intron. Not counted in ClinVar's aggregate classification.

NM_001077653.2(TBX20):c.952G>A (p.Gly318Arg)

Gene: TBX20 (T-box transcription factor 20; minus strand). Cytogenetic location: 7p14.2.
Variant type: single nucleotide variant.
Coding change: c.952G>A on transcript NM_001077653.2 (MANE Select); coding-DNA position 952, G replaced by A.
Protein change: p.Gly318Arg; replaces glycine 318 with arginine.
Molecular consequence: missense variant.
Genome position (GRCh38, 1-based): chr7:35,204,521, C>T on the plus strand (G>A on the coding strand, the complement: TBX20 is on the minus strand). VCF-style: chr7-35204521-C-T. GRCh37 (hg19) VCF-style: chr7-35244133-C-T.
Other names: short protein forms G318R.
Identifiers: ClinVar variation 1767284 (VCV001767284.8), dbSNP rs754622149, ClinGen allele CA4217381.
Genomic context (GRCh38, chr7:35,204,521, plus strand): 5'-CTACCTTACCTCGATTTGGGGTTGTCTGACTCTCATCCCCCAAGACATCTTCTTCTCCTC[C>T]GTAGGTACGGATGGGTGAGCGTGCATAGGAATGCTTTTGAATCAGGCTCTCCACACTTTC-3'
Protein context (NP_001071121.1, residues 308-328): SYARSPIRTY[Gly318Arg]GEEDVLGDES